The following is an entry in ClinVar:

NM_001080421.3(UNC13A):c.1653G>T (p.Thr551=)

Gene: UNC13A (unc-13 homolog A; minus strand). Cytogenetic location: 19p13.11.
Variant type: single nucleotide variant.
Coding change: c.1653G>T on transcript NM_001080421.3 (MANE Select); coding-DNA position 1653, G replaced by T.
Protein change: p.Thr551=; no amino-acid change (threonine 551 retained).
Molecular consequence: synonymous variant.
Genome position (GRCh38, 1-based): chr19:17,648,594, C>A on the plus strand (G>T on the coding strand, the complement: UNC13A is on the minus strand). VCF-style: chr19-17648594-C-A. GRCh37 (hg19) VCF-style: chr19-17759403-C-A.
Other names: c.1647G>T, p.Thr549= (NM_001387021.1, NM_001387022.1, NM_001387023.1).
Identifiers: ClinVar variation 794617 (VCV000794617.5), dbSNP rs752526385, ClinGen allele CA506102692.

ClinVar aggregate classification (germline): Likely benign. Review status: criteria provided, single submitter (1 of 4 stars). 2 submissions from 2 submitters: Likely benign (1). 1 of the submissions does not count toward it. Last evaluated 2018-11-09.

Conditions:
UNC13A-related disorder. Also called: UNC13A-related condition.

Allele frequency attached by ClinVar (database versions not stated): gnomAD 0.00002; TOPMed 0.00002.
gnomAD v4.1: 15 of 1,613,608 alleles (0.00093%); highest among the groups gnomAD compares: Middle Eastern, 0.033%; no homozygotes.

Submissions (2):

Labcorp Genetics (formerly Invitae), Labcorp
Classification: Likely benign. Last evaluated: 2018-11-09. Review status: criteria provided, single submitter. Criteria: Invitae Variant Classification Sherloc (09022015). Collection method: clinical testing. Allele origin: germline.

PreventionGenetics, part of Exact Sciences
Classification: Likely benign for UNC13A-related condition. Last evaluated: 2024-08-09. Review status: no assertion criteria provided. Collection method: clinical testing. Allele origin: germline. Not counted in ClinVar's aggregate classification.
Comment: This variant is classified as likely benign based on ACMG/AMP sequence variant interpretation guidelines (Richards et al. 2015 PMID: 25741868, with internal and published modifications).